The following is an entry in ClinVar:

ClinVar aggregate classification (germline): Likely pathogenic. Review status: criteria provided, multiple submitters, no conflicts (2 of 4 stars). 2 submissions from 2 submitters: Likely pathogenic (2). Last evaluated 2023-09-14.

Conditions:
Aortic aneurysm, familial thoracic 4 (AAT4). Also called: AORTIC ANEURYSM/AORTIC DISSECTION AND PATENT DUCTUS ARTERIOSUS. Identifiers: MedGen C1851504, MONDO:0007568, OMIM 132900.

Submissions (2):

ARUP Laboratories, Molecular Genetics and Genomics, ARUP Laboratories
Classification: Likely pathogenic. Last evaluated: 2023-09-14. Review status: criteria provided, single submitter. Criteria: ARUP Molecular Germline Variant Investigation Process 2024. Collection method: clinical testing. Allele origin: germline.
Comment: The MYH11 c.3858+1G>A variant is reported in the literature in an individual affected with patent ductus arteriosus, aortic dissection and intracranial vessel stenosis (Larson 2020). This variant is also reported in ClinVar (Variation ID: 1467492) and is absent from the Genome Aggregation Database, indicating it is not a common polymorphism. This variant disrupts the canonical splice donor site of intron 28, which is likely to negatively impact gene function. Based on available information, this variant is considered to be likely pathogenic. References: Larson A et al. Intracranial Vessel Stenosis in a Young Patient with an MYH11 Mutation: A Case Report and Review of 2 Prior Cases. World Neurosurg. 2020 May;137:243-246. PMID: 32081817.

Labcorp Genetics (formerly Invitae), Labcorp
Classification: Likely pathogenic for Aortic aneurysm, familial thoracic 4. Last evaluated: 2022-07-19. Review status: criteria provided, single submitter. Criteria: Invitae Variant Classification Sherloc (09022015). Collection method: clinical testing. Allele origin: germline.
Comment: In summary, the currently available evidence indicates that the variant is pathogenic, but additional data are needed to prove that conclusively. Therefore, this variant has been classified as Likely Pathogenic. Algorithms developed to predict the effect of sequence changes on RNA splicing suggest that this variant may disrupt the consensus splice site. ClinVar contains an entry for this variant (Variation ID: 1467492). This variant is also known as c.3858+1G>A. This variant has not been reported in the literature in individuals affected with autosomal recessive MYH11-related conditions. This variant has been reported in individual(s) with clinical features of autosomal dominant thoracic aortic aneurysms and dissections (PMID: 32081817; Invitae); however, the role of the variant in this condition is currently unclear. This variant is not present in population databases (gnomAD no frequency). This sequence change affects a donor splice site in intron 29 of the MYH11 gene. It is expected to disrupt RNA splicing. Variants that disrupt the donor or acceptor splice site typically lead to a loss of protein function (PMID: 16199547), and loss-of-function variants in MYH11 are known to be pathogenic (PMID: 25407000, 29575632).

Literature cited by the submitters: PubMed 32081817 (cited by Labcorp Genetics (formerly Invitae), Labcorp); PubMed 16199547 (cited by Labcorp Genetics (formerly Invitae), Labcorp); PubMed 25407000 (cited by Labcorp Genetics (formerly Invitae), Labcorp); PubMed 29575632 (cited by Labcorp Genetics (formerly Invitae), Labcorp).

NM_002474.3(MYH11):c.3858+1G>A

Gene: MYH11 (myosin heavy chain 11; minus strand). Cytogenetic location: 16p13.11.
Variant type: single nucleotide variant.
Coding change: c.3858+1G>A on transcript NM_002474.3 (MANE Select); the canonical splice donor site of the intron after coding-DNA position 3858, G replaced by A.
Molecular consequence: splice donor variant.
Genome position (GRCh38, 1-based): chr16:15,726,847, C>T on the plus strand (G>A on the coding strand, the complement: MYH11 is on the minus strand). VCF-style: chr16-15726847-C-T. GRCh37 (hg19) VCF-style: chr16-15820704-C-T.
Other names: c.3858+1G>A (NM_022844.3); c.3879+1G>A (NM_001040114.2, NM_001040113.2).
Identifiers: ClinVar variation 1467492 (VCV001467492.9), dbSNP rs2151225126, ClinGen allele CA394859919.